The following is an entry in ClinVar:

ClinVar aggregate classification (germline): Uncertain significance (1 of 4 stars; one submission).

Conditions:
Combined immunodeficiency due to ZAP70 deficiency (IMD48). Also called: Immunodeficiency 48; ZAP70 Deficiency. Identifiers: Orphanet 911, MedGen C2931299, MONDO:0010023, OMIM 269840.

gnomAD v4.1: 4 of 1,613,696 alleles (0.00025%); highest among the groups gnomAD compares: Non-Finnish European, 0.00034%; no homozygotes.

Submission:

Labcorp Genetics (formerly Invitae), Labcorp
Classification: Uncertain significance for Combined immunodeficiency due to ZAP70 deficiency. Last evaluated: 2021-03-29. Review status: criteria provided, single submitter. Criteria: Invitae Variant Classification Sherloc (09022015). Collection method: clinical testing. Allele origin: germline.
Comment: In summary, the available evidence is currently insufficient to determine the role of this variant in disease. Therefore, it has been classified as a Variant of Uncertain Significance. Algorithms developed to predict the effect of sequence changes on RNA splicing suggest that this variant may create or strengthen a splice site, but this prediction has not been confirmed by published transcriptional studies. This variant has not been reported in the literature in individuals with ZAP70-related conditions. This variant is not present in population databases (ExAC no frequency). This sequence change creates a premature translational stop signal (p.Arg594*) in the ZAP70 gene. While this is not anticipated to result in nonsense mediated decay, it is expected to disrupt the last 26 amino acid(s) of the ZAP70 protein.

NM_001079.4(ZAP70):c.1780C>T (p.Arg594Ter)

Gene: ZAP70 (zeta chain of T cell receptor associated protein kinase 70; plus strand). Cytogenetic location: 2q11.2.
Variant type: single nucleotide variant.
Coding change: c.1780C>T on transcript NM_001079.4 (MANE Select); coding-DNA position 1780, C replaced by T.
Protein change: p.Arg594Ter; replaces arginine 594 with a stop codon.
Molecular consequence: nonsense.
Genome position (GRCh38, 1-based): chr2:97,739,418, C>T. VCF-style: chr2-97739418-C-T. GRCh37 (hg19) VCF-style: chr2-98355881-C-T.
Other names: c.1780C>T, p.Arg594Ter (NM_001378594.1); c.859C>T, p.Arg287Ter (NM_207519.2); short protein forms R287*, R594*.
Identifiers: ClinVar variation 1398767 (VCV001398767.9), dbSNP rs55724897, ClinGen allele CA52566212.